The following is an entry in ClinVar:

ClinVar aggregate classification (germline): Uncertain significance (1 of 4 stars; one submission).

Conditions:
SOX10-related disorder. Also called: SOX10-related condition.

Submission:

PreventionGenetics, part of Exact Sciences
Classification: Uncertain significance for SOX10-related condition. Last evaluated: 2024-11-12. Review status: criteria provided, single submitter. Criteria: ACMG Guidelines, 2015. Collection method: clinical testing. Allele origin: germline.
Comment: The SOX10 c.599C>T variant is predicted to result in the amino acid substitution p.Thr200Ile. To our knowledge, this variant has not been reported in the literature or in a large population database (gnomAD), indicating this variant is rare. At this time, the clinical significance of this variant is uncertain due to the absence of conclusive functional and genetic evidence.

NM_006941.4(SOX10):c.599C>T (p.Thr200Ile)

Genes: POLR2F (RNA polymerase II, I and III subunit F; plus strand), SOX10 (SRY-box transcription factor 10; minus strand). Cytogenetic location: 22q13.1.
Variant type: single nucleotide variant.
Coding change: c.599C>T on transcript NM_006941.4 (MANE Select); coding-DNA position 599, C replaced by T.
Protein change: p.Thr200Ile; replaces threonine 200 with isoleucine.
Molecular consequence: missense variant. On other transcripts: intron variant (3).
Genome position (GRCh38, 1-based): chr22:37,977,965, G>A on the plus strand (C>T on the coding strand, the complement: SOX10 is on the minus strand). VCF-style: chr22-37977965-G-A. GRCh37 (hg19) VCF-style: chr22-38373972-G-A.
Other names: c.*38+5655G>A (NM_001363825.1); c.294-8189G>A (NM_001301130.2); c.293+10795G>A (NM_001301131.2); short protein forms T200I.
Identifiers: ClinVar variation 4997419 (VCV004997419.1).